The following is an entry in ClinVar:

ClinVar aggregate classification (germline): Uncertain significance (1 of 4 stars; one submission).

Allele frequency attached by ClinVar (database versions not stated): gnomAD exomes below 0.00001; ExAC 0.00001.
gnomAD v4.1: 3 of 1,613,976 alleles (0.00019%); highest among the groups gnomAD compares: Non-Finnish European, 0.00025%; no homozygotes.

Submission:

Labcorp Genetics (formerly Invitae), Labcorp
Classification: Uncertain significance. Last evaluated: 2021-08-02. Review status: criteria provided, single submitter. Criteria: Invitae Variant Classification Sherloc (09022015). Collection method: clinical testing. Allele origin: germline.
Comment: Algorithms developed to predict the effect of missense changes on protein structure and function are either unavailable or do not agree on the potential impact of this missense change (SIFT: "Deleterious"; PolyPhen-2: "Probably Damaging"; Align-GVGD: "Class C0"). This variant has not been reported in the literature in individuals affected with SETD5-related conditions. This variant is present in population databases (rs770427830, ExAC 0.002%). This sequence change replaces threonine with isoleucine at codon 439 of the SETD5 protein (p.Thr439Ile). The threonine residue is highly conserved and there is a moderate physicochemical difference between threonine and isoleucine. In summary, the available evidence is currently insufficient to determine the role of this variant in disease. Therefore, it has been classified as a Variant of Uncertain Significance.

NM_001080517.3(SETD5):c.1316C>T (p.Thr439Ile)

Gene: SETD5 (SET domain containing 5; plus strand). Cytogenetic location: 3p25.3.
Variant type: single nucleotide variant.
Coding change: c.1316C>T on transcript NM_001080517.3 (MANE Select); coding-DNA position 1316, C replaced by T.
Protein change: p.Thr439Ile; replaces threonine 439 with isoleucine.
Molecular consequence: missense variant.
Genome position (GRCh38, 1-based): chr3:9,445,176, C>T. VCF-style: chr3-9445176-C-T. GRCh37 (hg19) VCF-style: chr3-9486860-C-T.
Other names: c.1022C>T, p.Thr341Ile (NM_001292043.2, NM_001349451.2); short protein forms T341I, T439I.
Identifiers: ClinVar variation 1426015 (VCV001426015.6), dbSNP rs770427830, ClinGen allele CA2239133.